The following is an entry in ClinVar:

NR_027350.2(MIR17HG):n.3297C>T

Gene: MIR17HG (miR-17-92a-1 cluster host gene; plus strand). Cytogenetic location: 13q31.3.
Variant type: single nucleotide variant.
Genome position: GRCh38 VCF-style: chr13-91352721-C-T. GRCh37 (hg19) VCF-style: chr13-92004975-C-T.
Identifiers: ClinVar variation 2636345 (VCV002636345.1), dbSNP rs1034074756, ClinGen allele CA254717748.

ClinVar aggregate classification (germline): Uncertain significance (1 of 4 stars; one submission).

Conditions:
MIR17HG-related disorder. Also called: MIR17HG-related condition.

Allele frequency attached by ClinVar (database versions not stated): TOPMed 0.00003; gnomAD 0.00006.
gnomAD v4.1: 9 of 152,162 alleles (0.0059%); highest among the groups gnomAD compares: African/African-American, 0.019%; no homozygotes.

Submission:

PreventionGenetics, part of Exact Sciences
Classification: Uncertain significance for MIR17HG-related condition. Last evaluated: 2023-08-12. Review status: criteria provided, single submitter. Criteria: ACMG Guidelines, 2015. Collection method: clinical testing. Allele origin: germline.
Comment: The MIR17HG n.3164C>T is a noncoding alteration. To our knowledge, this variant has not been reported in the literature. This variant is reported in 0.023% of alleles in individuals of African descent in gnomAD. At this time, the clinical significance of this variant is uncertain due to the absence of conclusive functional and genetic evidence.